The following is an entry in ClinVar:

NM_006231.4(POLE):c.2924G>A (p.Arg975His)

Gene: POLE (DNA polymerase epsilon, catalytic subunit; minus strand). Cytogenetic location: 12q24.33.
Variant type: single nucleotide variant.
Coding change: c.2924G>A on transcript NM_006231.4 (MANE Select); coding-DNA position 2924, G replaced by A.
Protein change: p.Arg975His; replaces arginine 975 with histidine.
Molecular consequence: missense variant.
Genome position (GRCh38, 1-based): chr12:132,661,105, C>T on the plus strand (G>A on the coding strand, the complement: POLE is on the minus strand). VCF-style: chr12-132661105-C-T. GRCh37 (hg19) VCF-style: chr12-133237691-C-T.
Other names: short protein forms R975H.
Identifiers: ClinVar variation 576753 (VCV000576753.6), dbSNP rs766224584, ClinGen allele CA6893401.

ClinVar aggregate classification (germline): Uncertain significance (1 of 4 stars; one submission).

Allele frequency attached by ClinVar (database versions not stated): TOPMed below 0.00001; ExAC 0.00001; gnomAD exomes below 0.00001.
gnomAD v4.1: 3 of 1,613,656 alleles (0.00019%); highest among the groups gnomAD compares: Non-Finnish European, 0.00025%; no homozygotes.

Submission:

Labcorp Genetics (formerly Invitae), Labcorp
Classification: Uncertain significance. Last evaluated: 2023-10-09. Review status: criteria provided, single submitter. Criteria: Invitae Variant Classification Sherloc (09022015). Collection method: clinical testing. Allele origin: germline.
Comment: This sequence change replaces arginine, which is basic and polar, with histidine, which is basic and polar, at codon 975 of the POLE protein (p.Arg975His). The frequency data for this variant in the population databases is considered unreliable, as metrics indicate poor data quality at this position in the gnomAD database. This variant has not been reported in the literature in individuals affected with POLE-related conditions. ClinVar contains an entry for this variant (Variation ID: 576753). Advanced modeling of protein sequence and biophysical properties (such as structural, functional, and spatial information, amino acid conservation, physicochemical variation, residue mobility, and thermodynamic stability) performed at Invitae indicates that this missense variant is expected to disrupt POLE protein function. In summary, the available evidence is currently insufficient to determine the role of this variant in disease. Therefore, it has been classified as a Variant of Uncertain Significance.